The following is an entry in ClinVar:

NM_000478.6(ALPL):c.1221G>A (p.Lys407=)

Gene: ALPL (alkaline phosphatase, biomineralization associated; plus strand). Cytogenetic location: 1p36.12.
Variant type: single nucleotide variant.
Coding change: c.1221G>A on transcript NM_000478.6 (MANE Select); coding-DNA position 1221, G replaced by A.
Protein change: p.Lys407=; no amino-acid change (lysine 407 retained).
Molecular consequence: synonymous variant.
Genome position (GRCh38, 1-based): chr1:21,576,553, G>A. VCF-style: chr1-21576553-G-A. GRCh37 (hg19) VCF-style: chr1-21903046-G-A.
Other names: c.1056G>A, p.Lys352= (NM_001127501.4); c.990G>A, p.Lys330= (NM_001177520.3); c.1221G>A, p.Lys407= (NM_001369803.2, NM_001369804.2, NM_001369805.2).
Identifiers: ClinVar variation 4086880 (VCV004086880.2).

ClinVar aggregate classification (germline): Likely benign. Review status: criteria provided, multiple submitters, no conflicts (2 of 4 stars). 2 submissions from 2 submitters: Likely benign (2). Last evaluated 2026-02-02.

Conditions:
Hypophosphatasia. Also called: Phosphoethanol-aminuria. Identifiers: Orphanet 436, MedGen C0020630, MeSH D007014, MONDO:0018570.

Submissions (2):

Labcorp Genetics (formerly Invitae), Labcorp
Classification: Likely benign. Last evaluated: 2026-02-02. Review status: criteria provided, single submitter. Criteria: Invitae Variant Classification Sherloc (09022015). Collection method: clinical testing. Allele origin: germline.

Genomenon, Inc
Classification: Likely benign for Hypophosphatasia. Last evaluated: 2025-08-29. Review status: criteria provided, single submitter. Criteria: Genomenon Sequence Variant Interpretation Standards. Collection method: curation. Allele origin: germline. Affected: no.
Comment: ALPL c.1221G>A is a synonymous variant that retains Lysine at residue 407. This variant has been reported in the published literature (PMID:9781036). This synonymous variant is not predicted to impact splicing. It is absent or not present at a significant frequency in gnomAD. In conclusion, we classify ALPL p.Lys407= (c.1221G>A) as a likely benign variant.

Literature cited by the submitters: PubMed 9781036 (cited by Genomenon, Inc).